The following is an entry in ClinVar:

ClinVar aggregate classification (germline): Likely benign. Review status: criteria provided, multiple submitters, no conflicts (2 of 4 stars). 4 submissions from 4 submitters: Likely benign (4). Last evaluated 2026-01-16.

Conditions:
RYR1-related disorder. Also called: RYR1-related disorders; RYR1-related condition. Identifiers: MedGen CN239331.

Allele frequency attached by ClinVar (database versions not stated): gnomAD exomes 0.00005; gnomAD 0.00007 and 0.00009; ExAC 0.00008; ESP Exome Variant Server 0.00008; TOPMed 0.00010.
gnomAD v4.1: 288 of 1,591,462 alleles (0.018%); highest among the groups gnomAD compares: Non-Finnish European, 0.024%; no homozygotes.

Submissions (4):

Labcorp Genetics (formerly Invitae), Labcorp
Classification: Likely benign for RYR1-related disorder. Last evaluated: 2026-01-16. Review status: criteria provided, single submitter. Criteria: Invitae Variant Classification Sherloc (09022015). Collection method: clinical testing. Allele origin: germline.

CeGaT Center for Human Genetics Tuebingen
Classification: Likely benign. Last evaluated: 2025-02-01. Review status: criteria provided, single submitter. Criteria: CeGaT Center For Human Genetics Tuebingen Variant Classification Criteria Version 2. Collection method: clinical testing. Allele origin: germline. Affected: yes. Observed: 1 variant allele.
Comment: RYR1: BP4, BP7

GeneDx
Classification: Likely benign. Last evaluated: 2017-06-23. Review status: criteria provided, single submitter. Criteria: GeneDx Variant Classification (06012015). Collection method: clinical testing. Allele origin: germline. Affected: yes.
Comment: This variant is considered likely benign or benign based on one or more of the following criteria: it is a conservative change, it occurs at a poorly conserved position in the protein, it is predicted to be benign by multiple in silico algorithms, and/or has population frequency not consistent with disease.

PreventionGenetics, part of Exact Sciences
Classification: Likely benign. Review status: criteria provided, single submitter. Criteria: ACMG Guidelines, 2015. Collection method: clinical testing. Allele origin: germline.

NM_000540.3(RYR1):c.12672C>T (p.Gly4224=)

Gene: RYR1 (ryanodine receptor 1; plus strand). Cytogenetic location: 19q13.2.
Variant type: single nucleotide variant.
Coding change: c.12672C>T on transcript NM_000540.3 (MANE Select); coding-DNA position 12672, C replaced by T.
Protein change: p.Gly4224=; no amino-acid change (glycine 4224 retained).
Molecular consequence: synonymous variant.
Genome position (GRCh38, 1-based): chr19:38,565,006, C>T. VCF-style: chr19-38565006-C-T. GRCh37 (hg19) VCF-style: chr19-39055646-C-T.
Other names: c.12657C>T, p.Gly4219= (NM_001042723.2).
Identifiers: ClinVar variation 256423 (VCV000256423.26), dbSNP rs141678912, ClinGen allele CA059329.